The following is an entry in ClinVar:

NM_001387430.1(SH2B1):c.1936C>T (p.Pro646Ser)

Gene: SH2B1 (SH2B adaptor protein 1; plus strand). Cytogenetic location: 16p11.2.
Variant type: single nucleotide variant.
Coding change: c.1936C>T on transcript NM_001387430.1 (MANE Select); coding-DNA position 1936, C replaced by T.
Protein change: p.Pro646Ser; replaces proline 646 with serine.
Molecular consequence: missense variant. On other transcripts: 3 prime UTR variant (5).
Genome position (GRCh38, 1-based): chr16:28,873,485, C>T. VCF-style: chr16-28873485-C-T. GRCh37 (hg19) VCF-style: chr16-28884806-C-T.
Other names: c.1936C>T, p.Pro646Ser (NM_001145795.2, NM_001308293.2, NM_001387404.1); c.*20C>T (NM_001145796.2, NM_001145812.2, NM_001308294.2 and 1 more transcripts); c.*37C>T (NM_001145797.2); short protein forms P646S.
Identifiers: ClinVar variation 4985677 (VCV004985677.1).

ClinVar aggregate classification (germline): Uncertain significance (1 of 4 stars; one submission).

Conditions:
SH2B1-related disorder. Also called: SH2B1-related condition.

gnomAD v4.1: 7 of 1,557,582 alleles (0.00045%); highest among the groups gnomAD compares: South Asian, 0.007%; no homozygotes.

Submission:

PreventionGenetics, part of Exact Sciences
Classification: Uncertain significance for SH2B1-related condition. Last evaluated: 2025-05-30. Review status: criteria provided, single submitter. Criteria: ACMG Guidelines, 2015. Collection method: clinical testing. Allele origin: germline.
Comment: The SH2B1 c.1936C>T variant is predicted to result in the amino acid substitution p.Pro646Ser. To our knowledge, this variant has not been reported in the literature. This variant is reported in 0.0080% of alleles in individuals of South Asian descent in gnomAD. At this time, the clinical significance of this variant is uncertain due to the absence of conclusive functional and genetic evidence.